The following is an entry in ClinVar:

NM_003738.5(PTCH2):c.3590del (p.Gly1197fs)

Gene: PTCH2 (patched 2; minus strand). Cytogenetic location: 1p34.1.
Variant type: Deletion.
Coding change: c.3590del on transcript NM_003738.5 (MANE Select); coding-DNA position 3590, one base deleted (G; older notation c.3590delG).
Protein change: p.Gly1197fs; shifts the reading frame from glycine 1197.
Molecular consequence: frameshift variant. On other transcripts: intron variant (1).
Genome position (GRCh38, 1-based): chr1:44,822,437, C deleted on the plus strand (G on the coding strand, the reverse complement: PTCH2 is on the minus strand); the first of 4 consecutive C bases (chr1:44,822,437-44,822,440); deleting any one gives the same sequence. VCF-style (leftmost placement, unchanged base first): chr1-44822436-TC-T. GRCh37 (hg19) VCF-style: chr1-45288108-TC-T.
Other names: c.3425+165del (NM_001166292.2); short protein forms G1197fs.
Identifiers: ClinVar variation 2164574 (VCV002164574.7), dbSNP rs773730257, ClinGen allele CA822651.

ClinVar aggregate classification (germline): Uncertain significance. Review status: criteria provided, multiple submitters, no conflicts (2 of 4 stars). 2 submissions from 2 submitters: Uncertain significance (2). Last evaluated 2023-12-19.

Conditions:
Gorlin syndrome. Also called: Basal cell nevus syndrome; Nevoid Basal Cell Carcinoma Syndrome. Identifiers: Orphanet 377, MedGen C0004779, MONDO:0007187.

Submissions (2):

Revvity Omics, Revvity
Classification: Uncertain significance. Last evaluated: 2023-12-19. Review status: criteria provided, single submitter. Criteria: ACMG Guidelines, 2015. Collection method: clinical testing. Allele origin: germline.

Labcorp Genetics (formerly Invitae), Labcorp
Classification: Uncertain significance for Gorlin syndrome. Last evaluated: 2022-05-07. Review status: criteria provided, single submitter. Criteria: Invitae Variant Classification Sherloc (09022015). Collection method: clinical testing. Allele origin: germline.
Comment: This variant is present in population databases (rs773730257, gnomAD 0.03%). This sequence change results in a frameshift in the PTCH2 gene (p.Gly1197Aspfs*57). While this is not anticipated to result in nonsense mediated decay, it is expected to disrupt the last 7 amino acid(s) of the PTCH2 protein and extend the protein by 49 additional amino acid residues. This variant has not been reported in the literature in individuals affected with PTCH2-related conditions. In summary, the available evidence is currently insufficient to determine the role of this variant in disease. Therefore, it has been classified as a Variant of Uncertain Significance. Experimental studies and prediction algorithms are not available or were not evaluated, and the functional significance of this variant is currently unknown.